The following is an entry in ClinVar:

NM_000059.4(BRCA2):c.7400C>T (p.Ala2467Val)

Gene: BRCA2 (BRCA2 DNA repair associated; plus strand). Cytogenetic location: 13q13.1.
Variant type: single nucleotide variant.
Coding change: c.7400C>T on transcript NM_000059.4 (MANE Select); coding-DNA position 7400, C replaced by T.
Protein change: p.Ala2467Val; replaces alanine 2467 with valine.
Molecular consequence: missense variant.
Genome position (GRCh38, 1-based): chr13:32,355,253, C>T. VCF-style: chr13-32355253-C-T. GRCh37 (hg19) VCF-style: chr13-32929390-C-T.
Other names: short protein forms A2467V.
Identifiers: ClinVar variation 1019406 (VCV001019406.9), dbSNP rs2072684279, ClinGen allele CA387741841.

ClinVar aggregate classification (germline): Uncertain significance (1 of 4 stars; one submission).

Conditions:
Hereditary breast ovarian cancer syndrome. Also called: BRCA1- and BRCA2-Associated Hereditary Breast and Ovarian Cancer; Hereditary breast and/or ovarian cancer syndrome; Hereditary breast and ovarian cancer syndrome; Hereditary breast and ovarian cancer; Hereditary breast and ovarian cancer syndrome (HBOC); Breast and ovarian cancer. Identifiers: Orphanet 145, MedGen C0677776, MeSH D061325, MONDO:0003582. Disease mechanism: loss of function.

gnomAD v4.1: 1 of 1,613,404 alleles (0.000062%); no homozygotes.

Submission:

Labcorp Genetics (formerly Invitae), Labcorp
Classification: Uncertain significance for Hereditary breast ovarian cancer syndrome. Last evaluated: 2020-08-20. Review status: criteria provided, single submitter. Criteria: Invitae Variant Classification Sherloc (09022015). Collection method: clinical testing. Allele origin: germline.
Comment: This sequence change replaces alanine with valine at codon 2467 of the BRCA2 protein (p.Ala2467Val). The alanine residue is weakly conserved and there is a small physicochemical difference between alanine and valine. This variant is not present in population databases (ExAC no frequency). This variant has not been reported in the literature in individuals with BRCA2-related conditions. Advanced modeling of protein sequence and biophysical properties (such as structural, functional, and spatial information, amino acid conservation, physicochemical variation, residue mobility, and thermodynamic stability) performed at Invitae indicates that this missense variant is not expected to disrupt BRCA2 protein function. In summary, the available evidence is currently insufficient to determine the role of this variant in disease. Therefore, it has been classified as a Variant of Uncertain Significance.